The following is an entry in ClinVar:

ClinVar aggregate classification (germline): Uncertain significance (1 of 4 stars; one submission).

Conditions:
Cardiovascular phenotype. Identifiers: MedGen CN230736.

gnomAD v4.1: 7 of 1,613,504 alleles (0.00043%); highest among the groups gnomAD compares: South Asian, 0.0044%; no homozygotes.

Submission:

Ambry Genetics
Classification: Uncertain significance for Cardiovascular phenotype. Last evaluated: 2021-09-30. Review status: criteria provided, single submitter. Criteria: Ambry Variant Classification Scheme 2023. Collection method: clinical testing. Allele origin: germline.
Comment: The p.R2473L variant (also known as c.7418G>T), located in coding exon 20 of the TNXB gene, results from a G to T substitution at nucleotide position 7418. The arginine at codon 2473 is replaced by leucine, an amino acid with dissimilar properties. This amino acid position is conserved. In addition, this alteration is predicted to be tolerated by in silico analysis. Since supporting evidence is limited at this time, the clinical significance of this alteration remains unclear.

NM_001365276.2(TNXB):c.7418G>T (p.Arg2473Leu)

Gene: TNXB (tenascin XB; minus strand). Cytogenetic location: 6p21.33.
Variant type: single nucleotide variant.
Coding change: c.7418G>T on transcript NM_001365276.2 (MANE Select); coding-DNA position 7418, G replaced by T.
Protein change: p.Arg2473Leu; replaces arginine 2473 with leucine.
Molecular consequence: missense variant.
Genome position (GRCh38, 1-based): chr6:32,061,471, C>A on the plus strand (G>T on the coding strand, the complement: TNXB is on the minus strand). VCF-style: chr6-32061471-C-A. GRCh37 (hg19) VCF-style: chr6-32029248-C-A.
Other names: c.7418G>T, p.Arg2473Leu (NM_019105.8); short protein forms R2473L.
Identifiers: ClinVar variation 1758813 (VCV001758813.2), dbSNP rs774735083, ClinGen allele CA3734161.